The following is an entry in ClinVar:

NM_000834.5(GRIN2B):c.823A>G (p.Thr275Ala)

Gene: GRIN2B (glutamate ionotropic receptor NMDA type subunit 2B; minus strand). Cytogenetic location: 12p13.1.
Variant type: single nucleotide variant.
Coding change: c.823A>G on transcript NM_000834.5 (MANE Select); coding-DNA position 823, A replaced by G.
Protein change: p.Thr275Ala; replaces threonine 275 with alanine.
Molecular consequence: missense variant.
Genome position (GRCh38, 1-based): chr12:13,753,504, T>C on the plus strand (A>G on the coding strand, the complement: GRIN2B is on the minus strand). VCF-style: chr12-13753504-T-C. GRCh37 (hg19) VCF-style: chr12-13906438-T-C.
Other names: short protein forms T275A.
Identifiers: ClinVar variation 1010147 (VCV001010147.9), dbSNP rs1291904458, ClinGen allele CA384053364.

ClinVar aggregate classification (germline): Uncertain significance (1 of 4 stars; one submission).

Conditions:
Developmental and epileptic encephalopathy, 27 (DEE27). Also called: GRIN2B-Related Neurodevelopmental Disorder; Epileptic encephalopathy, early infantile, 27. Identifiers: Orphanet 3451, MedGen C4015316, MONDO:0014505, OMIM 616139.
Intellectual developmental disorder, autosomal dominant 6, with or without seizures. Also called: Intellectual disability, autosomal dominant 6; GRIN2B-related developmental delay, intellectual disability and autism spectrum disorder. Identifiers: Orphanet 589547, MedGen C3151411, MONDO:0013509, OMIM 613970.

Allele frequency attached by ClinVar (database versions not stated): TOPMed below 0.00001; gnomAD 0.00001.
gnomAD v4.1: 1 of 1,614,030 alleles (0.000062%); highest among the groups gnomAD compares: Non-Finnish European, 0.000085%; no homozygotes.

Submission:

Labcorp Genetics (formerly Invitae), Labcorp
Classification: Uncertain significance for Developmental and epileptic encephalopathy, 27; Intellectual developmental disorder, autosomal dominant 6, with or without seizures. Last evaluated: 2023-01-25. Review status: criteria provided, single submitter. Criteria: Invitae Variant Classification Sherloc (09022015). Collection method: clinical testing. Allele origin: germline.
Comment: In summary, the available evidence is currently insufficient to determine the role of this variant in disease. Therefore, it has been classified as a Variant of Uncertain Significance. Advanced modeling of protein sequence and biophysical properties (such as structural, functional, and spatial information, amino acid conservation, physicochemical variation, residue mobility, and thermodynamic stability) performed at Invitae indicates that this missense variant is not expected to disrupt GRIN2B protein function. ClinVar contains an entry for this variant (Variation ID: 1010147). This variant has not been reported in the literature in individuals affected with GRIN2B-related conditions. This variant is present in population databases (no rsID available, gnomAD 0.007%). This sequence change replaces threonine, which is neutral and polar, with alanine, which is neutral and non-polar, at codon 275 of the GRIN2B protein (p.Thr275Ala).